The following is an entry in ClinVar:

ClinVar aggregate classification (germline): Uncertain significance (1 of 4 stars; one submission).

Conditions:
Tuberous sclerosis 1 (TSC1). Identifiers: Orphanet 805, MedGen C1854465, MONDO:0008612, OMIM 191100.

Submission:

Labcorp Genetics (formerly Invitae), Labcorp
Classification: Uncertain significance for Tuberous sclerosis 1. Last evaluated: 2023-08-10. Review status: criteria provided, single submitter. Criteria: Invitae Variant Classification Sherloc (09022015). Collection method: clinical testing. Allele origin: germline.
Comment: In summary, the available evidence is currently insufficient to determine the role of this variant in disease. Therefore, it has been classified as a Variant of Uncertain Significance. Advanced modeling of protein sequence and biophysical properties (such as structural, functional, and spatial information, amino acid conservation, physicochemical variation, residue mobility, and thermodynamic stability) performed at Invitae indicates that this missense variant is not expected to disrupt TSC1 protein function. This variant has not been reported in the literature in individuals affected with TSC1-related conditions. This variant is not present in population databases (gnomAD no frequency). This sequence change replaces leucine, which is neutral and non-polar, with histidine, which is basic and polar, at codon 607 of the TSC1 protein (p.Leu607His).

NM_000368.5(TSC1):c.1820T>A (p.Leu607His)

Gene: TSC1 (TSC complex subunit 1; minus strand). Cytogenetic location: 9q34.13.
Variant type: single nucleotide variant.
Coding change: c.1820T>A on transcript NM_000368.5 (MANE Select); coding-DNA position 1820, T replaced by A.
Protein change: p.Leu607His; replaces leucine 607 with histidine.
Molecular consequence: missense variant. On other transcripts: non-coding transcript variant (5).
Genome position (GRCh38, 1-based): chr9:132,905,758, A>T on the plus strand (T>A on the coding strand, the complement: TSC1 is on the minus strand). VCF-style: chr9-132905758-A-T. GRCh37 (hg19) VCF-style: chr9-135781145-A-T.
Other names: c.1817T>A, p.Leu606His (NM_001162426.2, NM_001406597.1, NM_001406598.1 and 6 more transcripts); c.1667T>A, p.Leu556His (NM_001162427.2, NM_001406610.1); c.1457T>A, p.Leu486His (NM_001362177.2, NM_001406624.1, NM_001406614.1 and 5 more transcripts); c.1820T>A, p.Leu607His (NM_001406592.1, NM_001406593.1, NM_001406594.1 and 7 more transcripts); c.1454T>A, p.Leu485His (NM_001406621.1, NM_001406622.1, NM_001406623.1 and 2 more transcripts); c.869T>A, p.Leu290His (NM_001406626.1); c.866T>A, p.Leu289His (NM_001406627.1, NM_001406628.1); c.767T>A, p.Leu256His (NM_001406629.1, NM_001406630.1); and 1 more; short protein forms L256H, L289H, L486H, L556H, L606H, L607H, L290H, L485H.
Identifiers: ClinVar variation 2813351 (VCV002813351.3), dbSNP rs2131821078, ClinGen allele CA375363301.